The following is an entry in ClinVar:

NM_000393.5(COL5A2):c.2890G>A (p.Gly964Ser)

Gene: COL5A2 (collagen type V alpha 2 chain; minus strand). Cytogenetic location: 2q32.2.
Variant type: single nucleotide variant.
Coding change: c.2890G>A on transcript NM_000393.5 (MANE Select); coding-DNA position 2890, G replaced by A.
Protein change: p.Gly964Ser; replaces glycine 964 with serine.
Molecular consequence: missense variant.
Genome position (GRCh38, 1-based): chr2:189,051,361, C>T on the plus strand (G>A on the coding strand, the complement: COL5A2 is on the minus strand). VCF-style: chr2-189051361-C-T. GRCh37 (hg19) VCF-style: chr2-189916087-C-T.
Other names: short protein forms G964S.
Identifiers: ClinVar variation 4748577 (VCV004748577.1).

ClinVar aggregate classification (germline): Uncertain significance (1 of 4 stars; one submission).

Conditions:
Ehlers-Danlos syndrome, classic type, 1 (EDSCL1). Also called: EHLERS-DANLOS SYNDROME, GRAVIS TYPE; EHLERS-DANLOS SYNDROME, SEVERE CLASSIC TYPE; Ehlers-Danlos syndrome, type 1; Ehlers-Danlos Syndrome, Classic Type, COL5A1-Related; EDS I. Identifiers: MedGen C0268335, MONDO:0019567, OMIM 130000.

Submission:

Labcorp Genetics (formerly Invitae), Labcorp
Classification: Uncertain significance for Ehlers-Danlos syndrome, classic type, 1. Last evaluated: 2025-05-07. Review status: criteria provided, single submitter. Criteria: Invitae Variant Classification Sherloc (09022015). Collection method: clinical testing. Allele origin: germline.
Comment: This sequence change replaces glycine, which is neutral and non-polar, with serine, which is neutral and polar, at codon 964 of the COL5A2 protein (p.Gly964Ser). This variant is not present in population databases (gnomAD no frequency). This variant has not been reported in the literature in individuals affected with COL5A2-related conditions. Invitae Evidence Modeling of protein sequence and biophysical properties (such as structural, functional, and spatial information, amino acid conservation, physicochemical variation, residue mobility, and thermodynamic stability) indicates that this missense variant is not expected to disrupt COL5A2 protein function with a negative predictive value of 80%. In summary, the available evidence is currently insufficient to determine the role of this variant in disease. Therefore, it has been classified as a Variant of Uncertain Significance.